The following is an entry in ClinVar:

NM_033641.4(COL4A6):c.1594G>A (p.Val532Ile)

Gene: COL4A6 (collagen type IV alpha 6 chain; minus strand). Cytogenetic location: Xq22.3.
Variant type: single nucleotide variant.
Coding change: c.1594G>A on transcript NM_033641.4 (MANE Select); coding-DNA position 1594, G replaced by A.
Protein change: p.Val532Ile; replaces valine 532 with isoleucine.
Molecular consequence: missense variant.
Genome position (GRCh38, 1-based): chrX:108,188,021, C>T on the plus strand (G>A on the coding strand, the complement: COL4A6 is on the minus strand). VCF-style: chrX-108188021-C-T. GRCh37 (hg19) VCF-style: chrX-107431251-C-T.
Other names: c.1594G>A, p.Val532Ile (NM_001287758.2, NM_001287759.2, NM_001287760.2); c.1597G>A, p.Val533Ile (NM_001847.4); short protein forms V532I, V533I.
Identifiers: ClinVar variation 3612341 (VCV003612341.2).
Genomic context (GRCh38, chrX:108,188,021, plus strand): 5'-TTGTACTGAGAATTGGTTCCCCCTTCTTTCCTTTGGGTCCTGAAGGACCCAGAGGCCCAA[C>T]TAAGCCCTGACAAAGAAAAGAGAGAAGAGGGAGTAGTCAGAAGATGTAGACTTCATAGAA-3'
Protein context (NP_378667.1, residues 522-542): AQGPAGAPGL[Val532Ile]GPLGPSGPKG

ClinVar aggregate classification (germline): Uncertain significance (1 of 4 stars; one submission).

gnomAD v4.1: 1 of 1,186,838 alleles (0.000084%); highest among the groups gnomAD compares: Non-Finnish European, 0.00011%; no homozygotes.

Submission:

Labcorp Genetics (formerly Invitae), Labcorp
Classification: Uncertain significance. Last evaluated: 2025-05-15. Review status: criteria provided, single submitter. Criteria: Invitae Variant Classification Sherloc (09022015). Collection method: clinical testing. Allele origin: germline.
Comment: This sequence change replaces valine, which is neutral and non-polar, with isoleucine, which is neutral and non-polar, at codon 533 of the COL4A6 protein (p.Val533Ile). This variant is not present in population databases (gnomAD no frequency). This variant has not been reported in the literature in individuals affected with COL4A6-related conditions. ClinVar contains an entry for this variant (Variation ID: 3612341). Invitae Evidence Modeling of protein sequence and biophysical properties (such as structural, functional, and spatial information, amino acid conservation, physicochemical variation, residue mobility, and thermodynamic stability) indicates that this missense variant is not expected to disrupt COL4A6 protein function with a negative predictive value of 80%. In summary, the available evidence is currently insufficient to determine the role of this variant in disease. Therefore, it has been classified as a Variant of Uncertain Significance.